The following is an entry in ClinVar:

ClinVar aggregate classification (germline): Uncertain significance (1 of 4 stars; one submission).

Conditions:
MPDZ-related disorder. Also called: MPDZ-related condition.

gnomAD v4.1: 2 of 1,612,466 alleles (0.00012%); highest among the groups gnomAD compares: African/African-American, 0.0027%; no homozygotes.

Submission:

PreventionGenetics, part of Exact Sciences
Classification: Uncertain significance for MPDZ-related condition. Last evaluated: 2023-05-03. Review status: criteria provided, single submitter. Criteria: ACMG Guidelines, 2015. Collection method: clinical testing. Allele origin: germline.
Comment: The MPDZ c.2033C>G variant is predicted to result in the amino acid substitution p.Thr678Ser. To our knowledge, this variant has not been reported in the literature. This variant is reported in 0.011% of alleles in individuals of African descent in gnomAD. At this time, the clinical significance of this variant is uncertain due to the absence of conclusive functional and genetic evidence.

NM_001378778.1(MPDZ):c.2033C>G (p.Thr678Ser)

Gene: MPDZ (multiple PDZ domain crumbs cell polarity complex component; minus strand). Cytogenetic location: 9p23.
Variant type: single nucleotide variant.
Coding change: c.2033C>G on transcript NM_001378778.1 (MANE Select); coding-DNA position 2033, C replaced by G.
Protein change: p.Thr678Ser; replaces threonine 678 with serine.
Molecular consequence: missense variant.
Genome position (GRCh38, 1-based): chr9:13,190,235, G>C on the plus strand (C>G on the coding strand, the complement: MPDZ is on the minus strand). VCF-style: chr9-13190235-G-C. GRCh37 (hg19) VCF-style: chr9-13190234-G-C.
Other names: c.2033C>G, p.Thr678Ser (NM_001261406.2, NM_001261407.2, NM_001330637.2 and 14 more transcripts); short protein forms T678S.
Identifiers: ClinVar variation 2631887 (VCV002631887.1), dbSNP rs757519973, ClinGen allele CA189285362.